The following is an entry in ClinVar:

NM_000135.4(FANCA):c.811C>T (p.Gln271Ter)

Gene: FANCA (FA complementation group A; minus strand). Cytogenetic location: 16q24.3.
Variant type: single nucleotide variant.
Coding change: c.811C>T on transcript NM_000135.4 (MANE Select); coding-DNA position 811, C replaced by T.
Protein change: p.Gln271Ter; replaces glutamine 271 with a stop codon.
Molecular consequence: nonsense.
Genome position (GRCh38, 1-based): chr16:89,799,620, G>A on the plus strand (C>T on the coding strand, the complement: FANCA is on the minus strand). VCF-style: chr16-89799620-G-A. GRCh37 (hg19) VCF-style: chr16-89866028-G-A.
Other names: c.811C>T, p.Gln271Ter (NM_001018112.3, NM_001286167.3); c.715C>T, p.Gln239Ter (NM_001351830.2); c.811C>T (LRG_495t1); short protein forms Q271*, Q239*.
Identifiers: ClinVar variation 371093 (VCV000371093.28), dbSNP rs372163487, ClinGen allele CA16041803.

ClinVar aggregate classification (germline): Pathogenic. Review status: criteria provided, multiple submitters, no conflicts (2 of 4 stars). 8 submissions from 8 submitters: Pathogenic (6). 2 of the submissions do not count toward it. Last evaluated 2025-05-13.

Conditions:
Fanconi anemia (FA). Also called: Fanconi's anemia. Identifiers: Orphanet 84, MedGen C0015625, MeSH D005199, MONDO:0019391.
Fanconi anemia complementation group A (FANCA). Also called: Fanconi anemia, group A; FANCA-Related Fanconi Anemia. Identifiers: Orphanet 84, MedGen C3469521, MONDO:0009215, OMIM 227650.

Allele frequency attached by ClinVar (database versions not stated): gnomAD 0.00001; gnomAD exomes 0.00001; TOPMed 0.00002; ESP Exome Variant Server 0.00008.

Submissions (8):

Labcorp Genetics (formerly Invitae), Labcorp
Classification: Pathogenic for Fanconi anemia. Last evaluated: 2025-05-13. Review status: criteria provided, single submitter. Criteria: Invitae Variant Classification Sherloc (09022015). Collection method: clinical testing. Allele origin: germline.
Comment: This sequence change creates a premature translational stop signal (p.Gln271*) in the FANCA gene. It is expected to result in an absent or disrupted protein product. Loss-of-function variants in FANCA are known to be pathogenic (PMID: 19367192). This variant is present in population databases (rs372163487, gnomAD 0.003%). This premature translational stop signal has been observed in individual(s) with Fanconi anemia (PMID: 15643609, 16084127, 21659346, 29098742). ClinVar contains an entry for this variant (Variation ID: 371093). Algorithms developed to predict the effect of sequence changes on RNA splicing suggest that this variant may disrupt the consensus splice site. For these reasons, this variant has been classified as Pathogenic.

Fulgent Genetics
Classification: Pathogenic for Fanconi anemia complementation group A. Last evaluated: 2024-01-18. Review status: criteria provided, single submitter. Criteria: ACMG Guidelines, 2015. Collection method: clinical testing. Allele origin: germline.

Baylor Genetics
Classification: Pathogenic for Fanconi anemia complementation group A. Last evaluated: 2023-03-21. Review status: criteria provided, single submitter. Criteria: ACMG Guidelines, 2015. Collection method: clinical testing. Allele origin: unknown.

GeneDx
Classification: Pathogenic. Last evaluated: 2022-05-23. Review status: criteria provided, single submitter. Criteria: GeneDx Variant Classification Process June 2021. Collection method: clinical testing. Allele origin: germline. Affected: yes.
Comment: Nonsense variant predicted to result in protein truncation or nonsense mediated decay in a gene for which loss-of-function is a known mechanism of disease; Not observed at a significant frequency in large population cohorts (gnomAD); This variant is associated with the following publications: (PMID: 25525159, 15643609, 29098742, 25111073, 16084127, 21659346)

Mayo Clinic Laboratories, Mayo Clinic
Classification: Pathogenic. Last evaluated: 2019-07-26. Review status: criteria provided, single submitter. Criteria: ACMG Guidelines, 2015. Collection method: clinical testing. Allele origin: germline. Observed: 1 variant allele.
Comment: PVS1, PM2, PP5

Neuberg Centre For Genomic Medicine, NCGM
Classification: Pathogenic for Fanconi anemia complementation group A. Review status: criteria provided, single submitter. Criteria: ACMG Guidelines, 2015. Collection method: clinical testing. Allele origin: germline. Inheritance: Autosomal recessive inheritance. Affected: yes.
Comment: The stop gained variant c.811C>T (p.Gln271Ter) in FANCA gene has been reported previously in patients affected with Fanconi anemia (Chandra et al., 2005; Levran et al., 2005). The p.Pro790GlnfsTer98 variant is reported with the allele frequency (0.001%) in the gnomAD Exomes and is novel (not in any individuals) in 1000 Genomes. It has been submitted to ClinVar with varying interpretations: Pathogenic/Likely Pathogenic. The nucleotide change in FANCA is predicted as conserved by GERP++ and PhyloP across 100 vertebrates. This variant is predicted to cause loss of normal protein function through protein truncation. Loss-offunction variants in FANCA are known to be pathogenic (Moghrabi et al., 2009). For these reasons, this variant has been classified as Pathogenic.

Leiden Open Variation Database
Classification: Pathogenic for Fanconi anemia complementation group A. Last evaluated: 2020-02-28. Review status: no assertion criteria provided. Collection method: curation. Allele origin: germline. Affected: yes. Not counted in ClinVar's aggregate classification.
Comment: Curator: Arleen D. Auerbach. Submitter to LOVD: Arleen D. Auerbach.

Counsyl
Classification: Likely pathogenic for Fanconi anemia complementation group A. Last evaluated: 2016-06-24. Review status: no assertion criteria provided. Collection method: clinical testing. Allele origin: unknown. Not counted in ClinVar's aggregate classification.

Literature cited by the submitters: PubMed 19367192 (cited by Labcorp Genetics (formerly Invitae), Labcorp); PubMed 15643609 (cited by 3 submitters); PubMed 16084127 (cited by Labcorp Genetics (formerly Invitae), Labcorp and Leiden Open Variation Database); PubMed 21659346 (cited by Labcorp Genetics (formerly Invitae), Labcorp and Counsyl); PubMed 29098742 (cited by Labcorp Genetics (formerly Invitae), Labcorp).